The following is an entry in ClinVar:

ClinVar aggregate classification (germline): Uncertain significance. Review status: criteria provided, multiple submitters, no conflicts (2 of 4 stars). 3 submissions from 3 submitters: Uncertain significance (3). Last evaluated 2024-10-04.

Conditions:
Cerebral arteriopathy, autosomal dominant, with subcortical infarcts and leukoencephalopathy, type 1 (CADASIL1). Also called: DEMENTIA, HEREDITARY MULTIINFARCT TYPE; CADASIL 1; CASIL; Cerebral arteriopathy with subcortical infarcts and leukoencephalopathy 1. Identifiers: Orphanet 136, MedGen C4551768, MONDO:0000914, OMIM 125310.

Allele frequency attached by ClinVar (database versions not stated): gnomAD exomes below 0.00001; TOPMed 0.00001.
gnomAD v4.1: 6 of 1,614,110 alleles (0.00037%); highest among the groups gnomAD compares: Non-Finnish European, 0.00051%; no homozygotes.

Submissions (3):

Athena Diagnostics
Classification: Uncertain significance. Last evaluated: 2024-10-04. Review status: criteria provided, single submitter. Criteria: Athena Diagnostics Criteria. Collection method: clinical testing. Allele origin: unknown.
Comment: Available data are insufficient to determine the clinical significance of the variant at this time. This variant has not been reported in large, multi-ethnic general populations. Polyphen and MutationTaster predict this amino acid change may be damaging to the protein. Greater than 90% of NOTCH3 pathogenic variants associated with CADASIL involve the gain or loss of a cysteine residue within the epidermal growth factor (EGF)-like repeat domain (PMID: 32457593, 20301673).

Blueprint Genetics
Classification: Uncertain significance. Last evaluated: 2024-02-09. Review status: criteria provided, single submitter. Criteria: ACMG Guidelines, 2015. Collection method: clinical testing. Allele origin: germline.

Illumina Laboratory Services, Illumina
Classification: Uncertain significance for Cerebral arteriopathy, autosomal dominant, with subcortical infarcts and leukoencephalopathy, type 1. Last evaluated: 2018-01-12. Review status: criteria provided, single submitter. Criteria: ICSL Variant Classification Criteria 13 December 2019. Collection method: clinical testing. Allele origin: germline.

NM_000435.3(NOTCH3):c.5375C>T (p.Pro1792Leu)

Gene: NOTCH3 (notch receptor 3; minus strand). Cytogenetic location: 19p13.12.
Variant type: single nucleotide variant.
Coding change: c.5375C>T on transcript NM_000435.3 (MANE Select); coding-DNA position 5375, C replaced by T.
Protein change: p.Pro1792Leu; replaces proline 1792 with leucine.
Molecular consequence: missense variant.
Genome position (GRCh38, 1-based): chr19:15,166,079, G>A on the plus strand (C>T on the coding strand, the complement: NOTCH3 is on the minus strand). VCF-style: chr19-15166079-G-A. GRCh37 (hg19) VCF-style: chr19-15276890-G-A.
Other names: short protein forms P1792L.
Identifiers: ClinVar variation 890211 (VCV000890211.6), dbSNP rs1250718112, ClinGen allele CA404495149.